The following is an entry in ClinVar:

ClinVar aggregate classification (germline): Likely benign. Review status: criteria provided, multiple submitters, no conflicts (2 of 4 stars). 5 submissions from 5 submitters: Likely benign (2). 3 of the submissions do not count toward it. Last evaluated 2025-11-14.

Conditions:
Retinitis pigmentosa 71 (RP71). Identifiers: Orphanet 791, MedGen C4225342, MONDO:0014618, OMIM 616394.
Short-rib thoracic dysplasia 10 with or without polydactyly (SRTD10). Identifiers: Orphanet 474, MedGen C3810175, MONDO:0014284, OMIM 615630.
IFT172-related disorder. Also called: IFT172-related disorders; IFT172-related condition.

Allele frequency attached by ClinVar (database versions not stated): gnomAD exomes 0.00004 and 0.00006; gnomAD 0.00005; TOPMed 0.00005; 1000 Genomes Project 30x 0.00016; ESP Exome Variant Server 0.00023.
gnomAD v4.1: 91 of 1,596,014 alleles (0.0057%); highest among the groups gnomAD compares: Middle Eastern, 0.033%; no homozygotes.

Submissions (5):

Labcorp Genetics (formerly Invitae), Labcorp
Classification: Likely benign for Retinitis pigmentosa 71; Short-rib thoracic dysplasia 10 with or without polydactyly. Last evaluated: 2025-11-14. Review status: criteria provided, single submitter. Criteria: Invitae Variant Classification Sherloc (09022015). Collection method: clinical testing. Allele origin: germline.

Blueprint Genetics
Classification: Likely benign. Last evaluated: 2024-11-04. Review status: criteria provided, single submitter. Criteria: ACMG Guidelines, 2015. Collection method: clinical testing. Allele origin: germline.

PreventionGenetics, part of Exact Sciences
Classification: Likely benign for IFT172-related condition. Last evaluated: 2021-09-13. Review status: no assertion criteria provided. Collection method: clinical testing. Allele origin: germline. Not counted in ClinVar's aggregate classification.
Comment: This variant is classified as likely benign based on ACMG/AMP sequence variant interpretation guidelines (Richards et al. 2015 PMID: 25741868, with internal and published modifications).

Clinical Genetics DNA and cytogenetics Diagnostics Lab, Erasmus MC, Erasmus Medical Center
Classification: Likely benign. Review status: no assertion criteria provided. Collection method: clinical testing. Allele origin: germline. Affected: yes. Study: VKGL Data-share Consensus. Not counted in ClinVar's aggregate classification.

Clinical Genetics, Academic Medical Center
Classification: Benign. Review status: no assertion criteria provided. Collection method: clinical testing. Allele origin: germline. Affected: yes. Study: VKGL Data-share Consensus. Not counted in ClinVar's aggregate classification.

NM_015662.3(IFT172):c.1168-7G>A

Gene: IFT172 (intraflagellar transport 172; minus strand). Cytogenetic location: 2p23.3.
Variant type: single nucleotide variant.
Coding change: c.1168-7G>A on transcript NM_015662.3 (MANE Select); 7 bases into the intron before coding-DNA position 1168, G replaced by A.
Molecular consequence: intron variant.
Genome position (GRCh38, 1-based): chr2:27,477,619, C>T on the plus strand (G>A on the coding strand, the complement: IFT172 is on the minus strand). VCF-style: chr2-27477619-C-T. GRCh37 (hg19) VCF-style: chr2-27700486-C-T.
Other names: c.1168-7G>A (NM_015662.2).
Identifiers: ClinVar variation 1148858 (VCV001148858.15), dbSNP rs373380537, ClinGen allele CA1580742.